The following is an entry in ClinVar:

NM_177438.3(DICER1):c.5428del (p.Asp1810fs)

Gene: DICER1 (dicer 1, ribonuclease III; minus strand). Cytogenetic location: 14q32.13.
Variant type: Deletion.
Coding change: c.5428del on transcript NM_177438.3 (MANE Select); coding-DNA position 5428, one base deleted (G; older notation c.5428delG).
Protein change: p.Asp1810fs; shifts the reading frame from aspartic acid 1810.
Molecular consequence: frameshift variant. On other transcripts: non-coding transcript variant (6), intron variant (1).
Genome position (GRCh38, 1-based): chr14:95,091,302, C deleted on the plus strand (G on the coding strand, the reverse complement: DICER1 is on the minus strand); the first of 5 consecutive C bases (chr14:95,091,302-95,091,306); deleting any one gives the same sequence. VCF-style (leftmost placement, unchanged base first): chr14-95091301-TC-T. GRCh37 (hg19) VCF-style: chr14-95557638-TC-T.
Other names: c.5428del, p.Asp1810fs (NM_001271282.3, NM_001291628.2, NM_001395677.1 and 7 more transcripts); c.5424delG, p.Asp1810Ilefs (NM_001395681.1, NM_177438.2); c.5146del, p.Asp1716fs (NM_001395686.1); c.5023del, p.Asp1675fs (NM_001395687.1, NM_001395688.1, NM_001395689.1 and 1 more transcripts); c.4861del, p.Asp1621fs (NM_001395691.1); c.3745del, p.Asp1249fs (NM_001395697.1); c.5365-193del (NM_001195573.1); c.5428del (NM_177438.2); short protein forms D1716fs, D1810fs, D1249fs, D1621fs, D1675fs.
Identifiers: ClinVar variation 2039665 (VCV002039665.5), dbSNP rs2542406552, ClinGen allele CA2580089001.

ClinVar aggregate classification (germline): Pathogenic. Review status: criteria provided, multiple submitters, no conflicts (2 of 4 stars). 2 submissions from 2 submitters: Pathogenic (2). Last evaluated 2022-10-18.

Conditions:
Rhabdomyosarcoma, embryonal, 2 (RMSE2). Identifiers: MedGen C1867234, MONDO:0859046, OMIM 180295.
Global developmental delay - lung cysts - overgrowth - Wilms tumor syndrome. Also called: GLOBAL DEVELOPMENTAL DELAY, LUNG CYSTS, OVERGROWTH, AND WILMS TUMOR; GLOW Syndrome. Identifiers: Orphanet 404476, MedGen C4748924, MONDO:0018445, OMIM 618272.
Euthyroid goiter (MNG1). Also called: GOITER, NONTOXIC, WITH INTRATHYROIDAL CALCIFICATION; MULTINODULAR GOITER, ADOLESCENT; SIMPLE GOITER; Goiter, multinodular 1, with or without Sertoli-Leydig cell tumors. Identifiers: Orphanet 276399, MedGen C0302859, MONDO:0007681, OMIM 138800, HP:0009798.
Pleuropulmonary blastoma (PPB). Identifiers: Orphanet 64742, MedGen C1266144, MONDO:0011014, OMIM 601200, HP:0100528.
DICER1-related tumor predisposition. Also called: DICER1-related pleuropulmonary blastoma cancer predisposition syndrome; DICER1 syndrome. Identifiers: Orphanet 284343, MedGen C3839822, MONDO:0100216.

Submissions (2):

Department of Pathology and Laboratory Medicine, Sinai Health System
Classification: Pathogenic for Euthyroid goiter; Rhabdomyosarcoma, embryonal, 2; Pleuropulmonary blastoma; Global developmental delay - lung cysts - overgrowth - Wilms tumor syndrome. Last evaluated: 2022-10-18. Review status: criteria provided, single submitter. Criteria: ACMG Guidelines, 2015. Collection method: clinical testing. Allele origin: germline. Affected: no.

Labcorp Genetics (formerly Invitae), Labcorp
Classification: Pathogenic for DICER1-related tumor predisposition. Last evaluated: 2022-04-08. Review status: criteria provided, single submitter. Criteria: Invitae Variant Classification Sherloc (09022015). Collection method: clinical testing. Allele origin: germline.
Comment: This sequence change creates a premature translational stop signal (p.Asp1810Ilefs*28) in the DICER1 gene. It is expected to result in an absent or disrupted protein product. Loss-of-function variants in DICER1 are known to be pathogenic (PMID: 19556464, 21266384). This variant is not present in population databases (gnomAD no frequency). For these reasons, this variant has been classified as Pathogenic. This variant has not been reported in the literature in individuals affected with DICER1-related conditions.

Literature cited by the submitters: PubMed 19556464 (cited by Labcorp Genetics (formerly Invitae), Labcorp); PubMed 21266384 (cited by Labcorp Genetics (formerly Invitae), Labcorp).